The following is an entry in ClinVar:

ClinVar aggregate classification (germline): Uncertain significance. Review status: criteria provided, multiple submitters, no conflicts (2 of 4 stars). 3 submissions from 3 submitters: Uncertain significance (3). Last evaluated 2023-10-31.

Conditions:
Hereditary cancer-predisposing syndrome. Also called: Hereditary Cancer Syndrome; Neoplastic Syndromes, Hereditary; Hereditary neoplastic syndrome; Tumor predisposition. Identifiers: Orphanet 140162, MedGen C0027672, MeSH D009386, MONDO:0015356.
Microcephaly, normal intelligence and immunodeficiency (NBS). Also called: Nijmegen breakage syndrome; Microcephaly with normal intelligence immunodeficiency and lymphoreticular malignancies; Nonsyndromal microcephaly autosomal recessive with normal intelligence; Seemanova syndrome 2; Immunodeficiency, microcephaly with normal intelligence; Ataxia telangiectasia variant V1. Identifiers: Orphanet 647, MedGen C0398791, MONDO:0009623, OMIM 251260.

Allele frequency attached by ClinVar (database versions not stated): gnomAD exomes below 0.00001.
gnomAD v4.1: 1 of 1,613,166 alleles (0.000062%); highest among the groups gnomAD compares: Non-Finnish European, 0.000085%; no homozygotes.

Submissions (3):

Labcorp Genetics (formerly Invitae), Labcorp
Classification: Uncertain significance for Microcephaly, normal intelligence and immunodeficiency. Last evaluated: 2023-10-31. Review status: criteria provided, single submitter. Criteria: Invitae Variant Classification Sherloc (09022015). Collection method: clinical testing. Allele origin: germline.
Comment: This sequence change replaces threonine, which is neutral and polar, with isoleucine, which is neutral and non-polar, at codon 602 of the NBN protein (p.Thr602Ile). This variant is not present in population databases (gnomAD no frequency). This variant has not been reported in the literature in individuals affected with NBN-related conditions. ClinVar contains an entry for this variant (Variation ID: 820109). Algorithms developed to predict the effect of missense changes on protein structure and function output the following: SIFT: "Not Available"; PolyPhen-2: "Benign"; Align-GVGD: "Not Available". The isoleucine amino acid residue is found in multiple mammalian species, which suggests that this missense change does not adversely affect protein function. In summary, the available evidence is currently insufficient to determine the role of this variant in disease. Therefore, it has been classified as a Variant of Uncertain Significance.

Ambry Genetics
Classification: Uncertain significance for Hereditary cancer-predisposing syndrome. Last evaluated: 2022-07-27. Review status: criteria provided, single submitter. Criteria: Ambry Variant Classification Scheme 2023. Collection method: clinical testing. Allele origin: germline.
Comment: The p.T602I variant (also known as c.1805C>T), located in coding exon 11 of the NBN gene, results from a C to T substitution at nucleotide position 1805. The threonine at codon 602 is replaced by isoleucine, an amino acid with similar properties. This amino acid position is not well conserved in available vertebrate species. In addition, this alteration is predicted to be tolerated by in silico analysis. Since supporting evidence is limited at this time, the clinical significance of this alteration remains unclear.

Genome-Nilou Lab
Classification: Uncertain significance for Microcephaly, normal intelligence and immunodeficiency. Last evaluated: 2021-11-07. Review status: criteria provided, single submitter. Criteria: ACMG Guidelines, 2015. Collection method: clinical testing. Allele origin: germline. Affected: no.

NM_002485.5(NBN):c.1805C>T (p.Thr602Ile)

Gene: NBN (nibrin; minus strand). Cytogenetic location: 8q21.3.
Variant type: single nucleotide variant.
Coding change: c.1805C>T on transcript NM_002485.5 (MANE Select); coding-DNA position 1805, C replaced by T.
Protein change: p.Thr602Ile; replaces threonine 602 with isoleucine.
Molecular consequence: missense variant.
Genome position (GRCh38, 1-based): chr8:89,953,284, G>A on the plus strand (C>T on the coding strand, the complement: NBN is on the minus strand). VCF-style: chr8-89953284-G-A. GRCh37 (hg19) VCF-style: chr8-90965512-G-A.
Other names: c.1559C>T, p.Thr520Ile (NM_001024688.3); short protein forms T520I, T602I.
Identifiers: ClinVar variation 820109 (VCV000820109.15), dbSNP rs1563524801, ClinGen allele CA371655049.